The following is an entry in ClinVar:

NM_133497.4(KCNV2):c.1181C>T (p.Ser394Phe)

Gene: KCNV2 (potassium voltage-gated channel modifier subfamily V member 2; plus strand). Cytogenetic location: 9p24.2.
Variant type: single nucleotide variant.
Coding change: c.1181C>T on transcript NM_133497.4 (MANE Select); coding-DNA position 1181, C replaced by T.
Protein change: p.Ser394Phe; replaces serine 394 with phenylalanine.
Molecular consequence: missense variant.
Genome position (GRCh38, 1-based): chr9:2,718,920, C>T. VCF-style: chr9-2718920-C-T. GRCh37 (hg19) VCF-style: chr9-2718920-C-T.
Other names: short protein forms S394F.
Identifiers: ClinVar variation 1416060 (VCV001416060.9), dbSNP rs1819807818, ClinGen allele CA372802355.

ClinVar aggregate classification (germline): Uncertain significance. Review status: criteria provided, multiple submitters, no conflicts (2 of 4 stars). 2 submissions from 2 submitters: Uncertain significance (2). Last evaluated 2022-08-19.

Allele frequency attached by ClinVar (database versions not stated): TOPMed below 0.00001; gnomAD 0.00001; gnomAD exomes 0.00001.
gnomAD v4.1: 8 of 1,609,142 alleles (0.0005%); highest among the groups gnomAD compares: African/African-American, 0.0013%; no homozygotes.

Submissions (2):

Blueprint Genetics
Classification: Uncertain significance. Last evaluated: 2022-08-19. Review status: criteria provided, single submitter. Criteria: ACMG Guidelines, 2015. Collection method: clinical testing. Allele origin: germline.

Labcorp Genetics (formerly Invitae), Labcorp
Classification: Uncertain significance. Last evaluated: 2021-04-24. Review status: criteria provided, single submitter. Criteria: Invitae Variant Classification Sherloc (09022015). Collection method: clinical testing. Allele origin: germline.
Comment: In summary, the available evidence is currently insufficient to determine the role of this variant in disease. Therefore, it has been classified as a Variant of Uncertain Significance. Advanced modeling of protein sequence and biophysical properties (such as structural, functional, and spatial information, amino acid conservation, physicochemical variation, residue mobility, and thermodynamic stability) performed at Invitae indicates that this missense variant is expected to disrupt KCNV2 protein function. This variant has not been reported in the literature in individuals with KCNV2-related conditions. This variant is not present in population databases (ExAC no frequency). This sequence change replaces serine with phenylalanine at codon 394 of the KCNV2 protein (p.Ser394Phe). The serine residue is highly conserved and there is a large physicochemical difference between serine and phenylalanine.